The following is an entry in ClinVar:

NM_024818.6(UBA5):c.199G>T (p.Asp67Tyr)

Genes: NPHP3-ACAD11 (NPHP3-ACAD11 readthrough (NMD candidate); minus strand), UBA5 (ubiquitin like modifier activating enzyme 5; plus strand). Cytogenetic location: 3q22.1.
Variant type: single nucleotide variant.
Coding change: c.199G>T on transcript NM_024818.6 (MANE Select); coding-DNA position 199, G replaced by T.
Protein change: p.Asp67Tyr; replaces aspartic acid 67 with tyrosine.
Molecular consequence: missense variant. On other transcripts: intron variant (2).
Genome position (GRCh38, 1-based): chr3:132,665,860, G>T. VCF-style: chr3-132665860-G-T. GRCh37 (hg19) VCF-style: chr3-132384704-G-T.
Other names: c.31G>T, p.Asp11Tyr (NM_001320210.2, NM_198329.4); c.-39-2958G>T (NM_001321239.1); c.28-2958G>T (NM_001321238.2); short protein forms D11Y, D67Y.
Identifiers: ClinVar variation 1251993 (VCV001251993.2), dbSNP rs61748106, ClinGen allele CA354572527.
Genomic context (GRCh38, chr3:132,665,860, plus strand): 5'-AACATATTTTTCTTTGTTTTAAGCCGCTTGATGGCATTGAAACGAATGGGAATTGTAAGC[G>T]ACTATGAGGTATGATAAACCCTTTCCAAGTTTTTGTAAGATTAATTCAGTAAATTAAAAT-3'
Protein context (NP_079094.1, residues 57-77): MALKRMGIVS[Asp67Tyr]YEKIRTFAVA

ClinVar aggregate classification (germline): Likely pathogenic. Review status: criteria provided, single submitter (1 of 4 stars). 2 submissions from 1 submitter: Likely pathogenic (1). 1 of the submissions does not count toward it. Last evaluated 2024-03-25.

Conditions:
Developmental and epileptic encephalopathy, 44 (DEE44). Also called: Epileptic encephalopathy, early infantile, 44. Identifiers: MedGen C4310700, MONDO:0014933, OMIM 617132.

gnomAD v4.1: 1 of 1,613,334 alleles (0.000062%); highest among the groups gnomAD compares: Non-Finnish European, 0.000085%; no homozygotes.

Submissions (2):

Genomic Medicine Center of Excellence, King Faisal Specialist Hospital and Research Centre
Classification: Likely pathogenic for Developmental and epileptic encephalopathy, 44. Last evaluated: 2024-03-25. Review status: criteria provided, single submitter. Criteria: ACMG Guidelines, 2015. Collection method: clinical testing. Allele origin: germline.

Genomic Medicine Center of Excellence, King Faisal Specialist Hospital and Research Centre
Classification: Likely pathogenic for Developmental and epileptic encephalopathy, 44. Last evaluated: 2021-04-29. Review status: flagged submission. Collection method: research. Allele origin: germline. Affected: no. Not counted in ClinVar's aggregate classification.
ClinVar note: Reason: This record appears to be redundant with a more recent record from the same submitter.
ClinVar note: Notes: SCV001870539 appears to be redundant with SCV004806028.